The following is an entry in ClinVar:

NM_001267550.2(TTN):c.99265_99266del (p.Met33089fs)

Genes: TTN (titin; minus strand), TTN-AS1 (TTN antisense RNA 1; plus strand). Cytogenetic location: 2q31.2.
Variant type: Deletion.
Coding change: c.99265_99266del on transcript NM_001267550.2 (MANE Select); coding-DNA positions 99265 to 99266, 2 bases deleted (AT; older notation c.99265_99266delAT).
Protein change: p.Met33089fs; shifts the reading frame from methionine 33089.
Molecular consequence: frameshift variant.
Genome position (GRCh38, 1-based): chr2:178,538,563-178,538,564, AT deleted on the plus strand (AT on the coding strand, the reverse complement: TTN is on the minus strand); deleting any 2 consecutive bases within chr2:178,538,563-178,538,565 gives the same sequence; the c. name uses the placement nearest the transcript's 3' end. VCF-style (leftmost placement, unchanged base first): chr2-178538562-CAT-C. GRCh37 (hg19) VCF-style: chr2-179403289-CAT-C.
Other names: c.94342_94343del, p.Met31448fs (NM_001256850.1); c.72070_72071del, p.Met24024fs (NM_003319.4); c.91561_91562del, p.Met30521fs (NM_133378.4); c.72445_72446del, p.Met24149fs (NM_133432.3); c.72646_72647del, p.Met24216fs (NM_133437.4); short protein forms M24024fs, M24149fs, M24216fs, M30521fs, M31448fs, M33089fs.
Identifiers: ClinVar variation 1709744 (VCV001709744.9), dbSNP rs2468727264, ClinGen allele CA2580064637.

ClinVar aggregate classification (germline): Conflicting classifications of pathogenicity. Review status: criteria provided, conflicting classifications (1 of 4 stars). 2 submissions from 2 submitters: Likely pathogenic (1); Uncertain significance (1). Last evaluated 2025-03-01.

Conditions:
Dilated cardiomyopathy 1G (CMD1G). Identifiers: Orphanet 154, MedGen C1858763, MONDO:0011400, OMIM 604145.

Submissions (2):

CeGaT Center for Human Genetics Tuebingen
Classification: Likely pathogenic. Last evaluated: 2025-03-01. Review status: criteria provided, single submitter. Criteria: CeGaT Center For Human Genetics Tuebingen Variant Classification Criteria Version 2. Collection method: clinical testing. Allele origin: germline. Affected: yes. Observed: 1 variant allele.
Comment: TTN: PVS1:Strong, PM2

MGZ Medical Genetics Center
Classification: Uncertain significance for Dilated cardiomyopathy 1G. Last evaluated: 2022-08-08. Review status: criteria provided, single submitter. Criteria: ACMG Guidelines, 2015. Collection method: clinical testing. Allele origin: germline. Affected: yes. Observed: 1 variant allele.
Comment: ACMG criteria applied: PVS1_MOD, PM2_SUP